The following is an entry in ClinVar:

ClinVar aggregate classification (germline): Uncertain significance. Review status: criteria provided, multiple submitters, no conflicts (2 of 4 stars). 3 submissions from 3 submitters: Uncertain significance (2). 1 of the submissions does not count toward it. Last evaluated 2025-09-13.

Conditions:
RPS6KA3-related disorder. Also called: RPS6KA3-related condition.

gnomAD v4.1: 1 of 1,164,749 alleles (0.000086%); highest among the groups gnomAD compares: Non-Finnish European, 0.00012%; no homozygotes.

Submissions (3):

GeneDx
Classification: Uncertain significance. Last evaluated: 2025-09-13. Review status: criteria provided, single submitter. Criteria: GeneDx Variant Classification Process June 2021. Collection method: clinical testing. Allele origin: germline. Affected: yes.
Comment: Not observed at significant frequency in large population cohorts (gnomAD); In silico analysis supports that this missense variant has a deleterious effect on protein structure/function; Has not been previously published as pathogenic or benign to our knowledge

Blueprint Genetics
Classification: Uncertain significance. Last evaluated: 2021-10-11. Review status: criteria provided, single submitter. Criteria: ACMG Guidelines, 2015. Collection method: clinical testing. Allele origin: germline.

PreventionGenetics, part of Exact Sciences
Classification: Uncertain significance for RPS6KA3-related condition. Last evaluated: 2024-05-17. Review status: no assertion criteria provided. Collection method: clinical testing. Allele origin: germline. Not counted in ClinVar's aggregate classification.
Comment: The RPS6KA3 c.472C>T variant is predicted to result in the amino acid substitution p.Arg158Cys. To our knowledge, this variant has not been reported in the literature or in a large population database, indicating this variant is rare. At this time, the clinical significance of this variant is uncertain due to the absence of conclusive functional and genetic evidence.

NM_004586.3(RPS6KA3):c.472C>T (p.Arg158Cys)

Gene: RPS6KA3 (ribosomal protein S6 kinase A3; minus strand). Cytogenetic location: Xp22.12.
Variant type: single nucleotide variant.
Coding change: c.472C>T on transcript NM_004586.3 (MANE Select); coding-DNA position 472, C replaced by T.
Protein change: p.Arg158Cys; replaces arginine 158 with cysteine.
Molecular consequence: missense variant.
Genome position (GRCh38, 1-based): chrX:20,194,203, G>A on the plus strand (C>T on the coding strand, the complement: RPS6KA3 is on the minus strand). VCF-style: chrX-20194203-G-A. GRCh37 (hg19) VCF-style: chrX-20212321-G-A.
Other names: short protein forms R158C.
Identifiers: ClinVar variation 1305971 (VCV001305971.5), dbSNP rs2148701766, ClinGen allele CA412510235.
Genomic context (GRCh38, chrX:20,194,203, plus strand): 5'-AACAGGATGCATGTAAATAGACTAAAAATAGAGATTAATTATATACCTCTTTGGATAAGC[G>A]TGTAAACAAATCTCCTCCCCTGAGAAAATCCAAAATAAGATACAACTTCCCTTCAGTTTG-3'
Protein context (NP_004577.1, residues 148-168): DFLRGGDLFT[Arg158Cys]LSKEVMFTEE